The following is an entry in ClinVar:

NM_004655.4(AXIN2):c.2393A>G (p.Lys798Arg)

Gene: AXIN2 (axin 2; minus strand). Cytogenetic location: 17q24.1.
Variant type: single nucleotide variant.
Coding change: c.2393A>G on transcript NM_004655.4 (MANE Select); coding-DNA position 2393, A replaced by G.
Protein change: p.Lys798Arg; replaces lysine 798 with arginine.
Molecular consequence: missense variant.
Genome position (GRCh38, 1-based): chr17:65,533,924, T>C on the plus strand (A>G on the coding strand, the complement: AXIN2 is on the minus strand). VCF-style: chr17-65533924-T-C. GRCh37 (hg19) VCF-style: chr17-63530042-T-C.
Other names: c.2198A>G, p.Lys733Arg (NM_001363813.1); short protein forms K798R, K733R.
Identifiers: ClinVar variation 1790584 (VCV001790584.2), dbSNP rs771837388, ClinGen allele CA8718318.

ClinVar aggregate classification (germline): Uncertain significance (1 of 4 stars; one submission).

Conditions:
Hereditary cancer-predisposing syndrome. Also called: Hereditary Cancer Syndrome; Hereditary neoplastic syndrome; Tumor predisposition; Neoplastic Syndromes, Hereditary. Identifiers: Orphanet 140162, MedGen C0027672, MeSH D009386, MONDO:0015356.

Allele frequency attached by ClinVar (database versions not stated): ExAC 0.00001.

Submission:

Ambry Genetics
Classification: Uncertain significance for Hereditary cancer-predisposing syndrome. Last evaluated: 2021-04-16. Review status: criteria provided, single submitter. Criteria: Ambry Variant Classification Scheme 2023. Collection method: clinical testing. Allele origin: germline.
Comment: The p.K798R variant (also known as c.2393A>G), located in coding exon 9 of the AXIN2 gene, results from an A to G substitution at nucleotide position 2393. The lysine at codon 798 is replaced by arginine, an amino acid with highly similar properties. This amino acid position is highly conserved in available vertebrate species. In addition, the in silico prediction for this alteration is inconclusive. Since supporting evidence is limited at this time, the clinical significance of this alteration remains unclear.